The following is an entry in ClinVar:

ClinVar aggregate classification (germline): Likely pathogenic. Review status: criteria provided, multiple submitters, no conflicts (2 of 4 stars). 2 submissions from 2 submitters: Likely pathogenic (2). Last evaluated 2022-08-14.

Conditions:
Dihydropteridine reductase deficiency (HPABH4C). Also called: DHPR DEFICIENCY; BH4-Deficient Hyperphenylalaninemia C; HYPERPHENYLALANINEMIA, TETRAHYDROBIOPTERIN-DEFICIENT, DUE TO DHPR DEFICIENCY; QDPR DEFICIENCY; QUINOID DIHYDROPTERIDINE REDUCTASE DEFICIENCY; Phenylketonuria II. Identifiers: Orphanet 226, Orphanet 238583, MedGen C0268465, MONDO:0009862, OMIM 261630.

Allele frequency attached by ClinVar (database versions not stated): TOPMed 0.00001.

Submissions (2):

Labcorp Genetics (formerly Invitae), Labcorp
Classification: Likely pathogenic for Dihydropteridine reductase deficiency. Last evaluated: 2022-08-14. Review status: criteria provided, single submitter. Criteria: Invitae Variant Classification Sherloc (09022015). Collection method: clinical testing. Allele origin: germline.
Comment: ClinVar contains an entry for this variant (Variation ID: 1030733). This variant has not been reported in the literature in individuals affected with QDPR-related conditions. This variant is not present in population databases (gnomAD no frequency). This sequence change affects an acceptor splice site in intron 5 of the QDPR gene. It is expected to disrupt RNA splicing. Variants that disrupt the donor or acceptor splice site typically lead to a loss of protein function (PMID: 16199547), and loss-of-function variants in QDPR are known to be pathogenic (PMID: 7627180, 11153907). In summary, the currently available evidence indicates that the variant is pathogenic, but additional data are needed to prove that conclusively. Therefore, this variant has been classified as Likely Pathogenic. Algorithms developed to predict the effect of sequence changes on RNA splicing suggest that this variant may disrupt the consensus splice site.

Baylor Genetics
Classification: Likely pathogenic for Dihydropteridine reductase deficiency. Last evaluated: 2020-01-10. Review status: criteria provided, single submitter. Criteria: ACMG Guidelines, 2015. Collection method: clinical testing. Allele origin: unknown. Affected: yes.
Comment: This variant was determined to be likely pathogenic according to ACMG Guidelines, 2015 [PMID:25741868].

Literature cited by the submitters: PubMed 16199547 (cited by Labcorp Genetics (formerly Invitae), Labcorp); PubMed 7627180 (cited by Labcorp Genetics (formerly Invitae), Labcorp); PubMed 11153907 (cited by Labcorp Genetics (formerly Invitae), Labcorp).

NM_000320.3(QDPR):c.546-1G>A

Gene: QDPR (quinoid dihydropteridine reductase; minus strand). Cytogenetic location: 4p15.32.
Variant type: single nucleotide variant.
Coding change: c.546-1G>A on transcript NM_000320.3 (MANE Select); the canonical splice acceptor site of the intron before coding-DNA position 546, G replaced by A.
Molecular consequence: splice acceptor variant.
Genome position (GRCh38, 1-based): chr4:17,490,746, C>T on the plus strand (G>A on the coding strand, the complement: QDPR is on the minus strand). VCF-style: chr4-17490746-C-T. GRCh37 (hg19) VCF-style: chr4-17492369-C-T.
Other names: c.453-1G>A (NM_001306140.2).
Identifiers: ClinVar variation 1030733 (VCV001030733.6), dbSNP rs995264302, ClinGen allele CA92592582.